The following is an entry in ClinVar:

ClinVar aggregate classification (germline): Uncertain significance (1 of 4 stars; one submission).

Conditions:
Postaxial polydactyly-anterior pituitary anomalies-facial dysmorphism syndrome. Also called: Culler-Jones syndrome. Identifiers: Orphanet 420584, MedGen C4014479, MONDO:0014369, OMIM 615849.
Holoprosencephaly 9 (HPE9). Also called: PITUITARY ANOMALIES WITH HOLOPROSENCEPHALY-LIKE FEATURES; HOLOPROSENCEPHALY WITH MICROPHTHALMIA AND FIRST BRANCHIAL ARCH ANOMALIES. Identifiers: Orphanet 2162, MedGen C1835819, MONDO:0012563, OMIM 610829.

Submission:

Labcorp Genetics (formerly Invitae), Labcorp
Classification: Uncertain significance for Postaxial polydactyly-anterior pituitary anomalies-facial dysmorphism syndrome; Holoprosencephaly 9. Last evaluated: 2025-06-12. Review status: criteria provided, single submitter. Criteria: Invitae Variant Classification Sherloc (09022015). Collection method: clinical testing. Allele origin: germline.
Comment: This variant, c.1034_1036del, results in the deletion of 1 amino acid(s) of the GLI2 protein (p.Ser345del), but otherwise preserves the integrity of the reading frame. The frequency data for this variant in the population databases is considered unreliable, as metrics indicate poor data quality at this position in the gnomAD database. This variant has not been reported in the literature in individuals affected with GLI2-related conditions. Experimental studies and prediction algorithms are not available or were not evaluated, and the functional significance of this variant is currently unknown. In summary, the available evidence is currently insufficient to determine the role of this variant in disease. Therefore, it has been classified as a Variant of Uncertain Significance.

NM_001374353.1(GLI2):c.1025GCA[3] (p.Ser345del)

Gene: GLI2 (GLI family zinc finger 2; plus strand). Cytogenetic location: 2q14.2.
Variant type: Microsatellite.
Coding change: c.1025GCA[3] on transcript NM_001374353.1 (MANE Select); three copies in a row of the 3-base unit GCA starting at c.1025; the reference has four copies in a row; one copy, 3 bases deleted.
Protein change: p.Ser345del; deletes serine 345.
Genome position (GRCh38, 1-based): chr2:120,970,581-120,970,583, GCA deleted; deleting any 3 consecutive bases within chr2:120,970,570-120,970,583 gives the same sequence; the position shown is the placement nearest the transcript's 3' end. VCF-style (leftmost placement, unchanged base first): chr2-120970569-TCAG-T. GRCh37 (hg19) VCF-style: chr2-121728145-TCAG-T.
Other names: c.1025GCA[3], p.Ser345del (NM_001371271.1, NM_005270.5); c.650GCA[3], p.Ser220del (NM_001374354.1); short protein forms S220del, S345del.
Identifiers: ClinVar variation 4788478 (VCV004788478.1).